The following is an entry in ClinVar:

ClinVar aggregate classification (germline): Uncertain significance. Review status: criteria provided, multiple submitters, no conflicts (2 of 4 stars). 2 submissions from 2 submitters: Uncertain significance (2). Last evaluated 2024-02-27.

Conditions:
Juvenile polyposis syndrome (JPS). Identifiers: Orphanet 2929, MedGen C0345893, MONDO:0017380, OMIM 174900.
Hereditary cancer-predisposing syndrome. Also called: Neoplastic Syndromes, Hereditary; Hereditary neoplastic syndrome; Hereditary Cancer Syndrome; Tumor predisposition. Identifiers: Orphanet 140162, MedGen C0027672, MeSH D009386, MONDO:0015356.
Familial thoracic aortic aneurysm and aortic dissection (TAAD). Also called: Thoracic aortic aneurysms and dissections. Identifiers: Orphanet 91387, MedGen C4707243, MONDO:0019625.

Submissions (2):

Ambry Genetics
Classification: Uncertain significance for Hereditary cancer-predisposing syndrome; Familial thoracic aortic aneurysm and aortic dissection. Last evaluated: 2024-02-27. Review status: criteria provided, single submitter. Criteria: Ambry Variant Classification Scheme 2023. Collection method: clinical testing. Allele origin: germline.
Comment: The p.P522L variant (also known as c.1565C>T), located in coding exon 11 of the SMAD4 gene, results from a C to T substitution at nucleotide position 1565. The proline at codon 522 is replaced by leucine, an amino acid with similar properties. This amino acid position is highly conserved in available vertebrate species. In addition, this alteration is predicted to be deleterious by in silico analysis. Based on the available evidence, the clinical significance of this alteration remains unclear.

Labcorp Genetics (formerly Invitae), Labcorp
Classification: Uncertain significance for Juvenile polyposis syndrome. Last evaluated: 2019-08-21. Review status: criteria provided, single submitter. Criteria: Invitae Variant Classification Sherloc (09022015). Collection method: clinical testing. Allele origin: germline.
Comment: This sequence change replaces proline with leucine at codon 522 of the SMAD4 protein (p.Pro522Leu). The proline residue is highly conserved and there is a moderate physicochemical difference between proline and leucine. This variant is not present in population databases (ExAC no frequency). This variant has not been reported in the literature in individuals with SMAD4-related conditions. Algorithms developed to predict the effect of missense changes on protein structure and function (SIFT, PolyPhen-2, Align-GVGD) all suggest that this variant is likely to be disruptive, but these predictions have not been confirmed by published functional studies and their clinical significance is uncertain. In summary, the available evidence is currently insufficient to determine the role of this variant in disease. Therefore, it has been classified as a Variant of Uncertain Significance.

NM_005359.6(SMAD4):c.1565C>T (p.Pro522Leu)

Gene: SMAD4 (SMAD family member 4; plus strand). Cytogenetic location: 18q21.2.
Variant type: single nucleotide variant.
Coding change: c.1565C>T on transcript NM_005359.6 (MANE Select); coding-DNA position 1565, C replaced by T.
Protein change: p.Pro522Leu; replaces proline 522 with leucine.
Molecular consequence: missense variant.
Genome position (GRCh38, 1-based): chr18:51,078,373, C>T. VCF-style: chr18-51078373-C-T. GRCh37 (hg19) VCF-style: chr18-48604743-C-T.
Other names: short protein forms P522L.
Identifiers: ClinVar variation 946343 (VCV000946343.10), dbSNP rs1910523687, ClinGen allele CA402466046.
Genomic context (GRCh38, chr18:51,078,373, plus strand): 5'-GGATGAGTTTTGTGAAAGGCTGGGGACCGGATTACCCAAGACAGAGCATCAAAGAAACAC[C>T]TTGCTGGATTGAAATTCACTTACACCGGGCCCTCCAGCTCCTAGACGAAGTACTTCATAC-3'
Protein context (NP_005350.1, residues 512-532): DYPRQSIKET[Pro522Leu]CWIEIHLHRA